The following is an entry in ClinVar:

NM_005609.4(PYGM):c.1345G>A (p.Gly449Arg)

Gene: PYGM (glycogen phosphorylase, muscle associated; minus strand). Cytogenetic location: 11q13.1.
Variant type: single nucleotide variant.
Coding change: c.1345G>A on transcript NM_005609.4 (MANE Select); coding-DNA position 1345, G replaced by A.
Protein change: p.Gly449Arg; replaces glycine 449 with arginine.
Molecular consequence: missense variant.
Genome position (GRCh38, 1-based): chr11:64,753,577, C>T on the plus strand (G>A on the coding strand, the complement: PYGM is on the minus strand). VCF-style: chr11-64753577-C-T. GRCh37 (hg19) VCF-style: chr11-64521049-C-T.
Other names: c.1345G>A (NM_005609.3); c.1081G>A, p.Gly361Arg (NM_001164716.1); short protein forms G449R, G361R.
Identifiers: ClinVar variation 546103 (VCV000546103.18), dbSNP rs769172044, ClinGen allele CA6079910.
Genomic context (GRCh38, chr11:64,753,577, plus strand): 5'-ACATGGTCTTCTTGAGGATCTCGGAGTGGATGCGCGCCACGCCGTTGACGGCGTGCGACC[C>T]CGCGATGCACAGGTGTGCCATGTTGATGCGCTTCACTGCGCCCTCCTCCACCAGCGACAT-3'
Protein context (NP_005600.1, residues 439-459): RINMAHLCIA[Gly449Arg]SHAVNGVARI

ClinVar aggregate classification (germline): Conflicting classifications of pathogenicity. Review status: criteria provided, conflicting classifications (1 of 4 stars). 7 submissions from 7 submitters: Pathogenic (1); Likely pathogenic (5); Uncertain significance (1). Last evaluated 2026-10-19.

Conditions:
Inborn genetic diseases. Identifiers: MedGen C0950123, MeSH D030342.
Glycogen storage disease, type V (GSD5). Also called: PYGM DEFICIENCY; McArdle type glycogen storage disease; MCARDLE DISEASE; MUSCLE GLYCOGEN PHOSPHORYLASE DEFICIENCY; MYOPHOSPHORYLASE DEFICIENCY. Identifiers: Orphanet 368, MedGen C0017924, MONDO:0009293, OMIM 232600.
PYGM-related disorder. Also called: PYGM-related condition.

Allele frequency attached by ClinVar (database versions not stated): ExAC 0.00001; gnomAD exomes 0.00001 and 0.00007; gnomAD 0.00003; TOPMed 0.00003.
gnomAD v4.1: 97 of 1,605,554 alleles (0.006%); highest among the groups gnomAD compares: Non-Finnish European, 0.0081%; no homozygotes.

Submissions (7):

GeneDx
Classification: Likely pathogenic. Last evaluated: 2026-10-19. Review status: criteria provided, single submitter. Criteria: GeneDx Variant Classification Process June 2021. Collection method: clinical testing. Allele origin: germline.
Comment: In silico analysis supports that this missense variant has a deleterious effect on protein structure/function; Not observed at significant frequency in large population cohorts (gnomAD); This variant is associated with the following publications: (PMID: 21658951, 17324573, 19472443, 34534370, 31980526)

Labcorp Genetics (formerly Invitae), Labcorp
Classification: Pathogenic for Glycogen storage disease, type V. Last evaluated: 2026-01-26. Review status: criteria provided, single submitter. Criteria: Invitae Variant Classification Sherloc (09022015). Collection method: clinical testing. Allele origin: germline.
Comment: This sequence change replaces glycine, which is neutral and non-polar, with arginine, which is basic and polar, at codon 449 of the PYGM protein (p.Gly449Arg). This variant is present in population databases (rs769172044, gnomAD 0.003%). This missense change has been observed in individual(s) with glycogen storage disease (PMID: 17324573, 19472443; internal data). ClinVar contains an entry for this variant (Variation ID: 546103). Invitae Evidence Modeling of protein sequence and biophysical properties (such as structural, functional, and spatial information, amino acid conservation, physicochemical variation, residue mobility, and thermodynamic stability) indicates that this missense variant is expected to disrupt PYGM protein function with a positive predictive value of 95%. For these reasons, this variant has been classified as Pathogenic.

Ambry Genetics
Classification: Uncertain significance for Inborn genetic diseases. Last evaluated: 2025-07-09. Review status: criteria provided, single submitter. Criteria: Ambry Variant Classification Scheme 2023. Collection method: clinical testing. Allele origin: germline.
Comment: The c.1345G>A (p.G449R) alteration is located in exon 11 (coding exon 11) of the PYGM gene. This alteration results from a G to A substitution at nucleotide position 1345, causing the glycine (G) at amino acid position 449 to be replaced by an arginine (R). Based on data from gnomAD, this allele has an overall frequency of 0.001% (3/231476) total alleles studied. The highest observed frequency was 0.003% (1/33652) of Latino alleles. This variant has been identified in the homozygous state and/or in conjunction with other PYGM variant(s) in individuals with features consistent with McArdle disease (Aquaron, 2007; Duno, 2009; Pizzamiglio, 2021). This amino acid position is highly conserved in available vertebrate species. This alteration is predicted to be deleterious by in silico analysis. Based on insufficient or conflicting evidence, the clinical significance of this alteration remains unclear.

Natera, Inc.
Classification: Likely pathogenic for Glycogen storage disease V. Last evaluated: 2024-11-09. Review status: criteria provided, single submitter. Criteria: Natera Variant Classification Schema (03/2026). Collection method: clinical testing. Allele origin: germline.
Comment: The c.1345G>A variant in PYGM is a missense variant predicted to cause substitution of glycine to arginine at amino acid 449. This variant is rare in the general population with a frequency below the threshold expected for the associated phenotype(s). This variant has been observed in one or more individuals affected with the associated recessive disease, as either homozygous or compound heterozygous with a second variant (PMID: 34534370, 17324573, 21658951). Computational prediction algorithms indicate this variant is likely to affect gene or protein function. Given the available evidence, this variant is classified as Likely Pathogenic.

Fulgent Genetics
Classification: Likely pathogenic for Glycogen storage disease, type V. Last evaluated: 2024-04-07. Review status: criteria provided, single submitter. Criteria: ACMG Guidelines, 2015. Collection method: clinical testing. Allele origin: germline.

Baylor Genetics
Classification: Likely pathogenic for Glycogen storage disease, type V. Last evaluated: 2024-01-31. Review status: criteria provided, single submitter. Criteria: ACMG Guidelines, 2015. Collection method: clinical testing. Allele origin: unknown.

Blueprint Genetics
Classification: Likely pathogenic for PYGM-related disorders. Last evaluated: 2018-07-13. Review status: criteria provided, single submitter. Criteria: ACMG Guidelines, 2015. Collection method: clinical testing. Allele origin: germline. Affected: yes. Observed: 2 variant alleles.

Literature cited by the submitters: PubMed 17324573 (cited by 3 submitters); PubMed 19472443 (cited by Labcorp Genetics (formerly Invitae), Labcorp and Ambry Genetics); PubMed 21658951 (cited by Ambry Genetics and Natera, Inc.); PubMed 34534370 (cited by Ambry Genetics and Natera, Inc.).